The following is an entry in ClinVar:

ClinVar aggregate classification (germline): Uncertain significance (1 of 4 stars; one submission).

Conditions:
Myofibrillar myopathy 4. Also called: Zaspopathy (type). Identifiers: Orphanet 98912, MedGen C4721886, MONDO:0012277, OMIM 609452.

Submission:

Labcorp Genetics (formerly Invitae), Labcorp
Classification: Uncertain significance for Myofibrillar myopathy 4. Last evaluated: 2018-09-20. Review status: criteria provided, single submitter. Criteria: Invitae Variant Classification Sherloc (09022015). Collection method: clinical testing. Allele origin: germline.
Comment: In summary, the available evidence is currently insufficient to determine the role of this variant in disease. Therefore, it has been classified as a Variant of Uncertain Significance. Algorithms developed to predict the effect of missense changes on protein structure and function are either unavailable or do not agree on the potential impact of this missense change (SIFT: "Deleterious"; PolyPhen-2: "Not available"; Align-GVGD: "Class C0"). This sequence change replaces valine with leucine at codon 635 of the LDB3 protein (p.Val635Leu). The valine residue is highly conserved and there is a small physicochemical difference between valine and leucine. The LDB3 gene has multiple clinically relevant transcripts. The p.Val635Leu variant occurs in alternate transcript NM_007078.2, which corresponds to position c.*19398G>C in NM_001080116.1:, the primary transcript listed in the Methods. This variant is not present in population databases (ExAC no frequency). This variant has not been reported in the literature in individuals with LDB3-related disease.

NM_007078.3(LDB3):c.1903G>C (p.Val635Leu)

Gene: LDB3 (LIM domain binding 3; plus strand). Cytogenetic location: 10q23.2.
Variant type: single nucleotide variant.
Coding change: c.1903G>C on transcript NM_007078.3 (MANE Select); coding-DNA position 1903, G replaced by C.
Protein change: p.Val635Leu; replaces valine 635 with leucine.
Molecular consequence: missense variant.
Genome position (GRCh38, 1-based): chr10:86,718,772, G>C. VCF-style: chr10-86718772-G-C. GRCh37 (hg19) VCF-style: chr10-88478529-G-C.
Other names: c.1903G>C (LRG_385t1); c.1573G>C, p.Val525Leu (NM_001080114.2); c.1918G>C, p.Val640Leu (NM_001171610.2); c.1714G>C, p.Val572Leu (NM_001368064.1, NM_001368065.1); c.1762G>C, p.Val588Leu (NM_001368066.1); short protein forms V572L, V588L, V635L, V640L, V525L.
Identifiers: ClinVar variation 645903 (VCV000645903.7), dbSNP rs45618633, ClinGen allele CA377453838.